The following is an entry in ClinVar:

NM_004104.5(FASN):c.5289C>A (p.His1763Gln)

Gene: FASN (fatty acid synthase; minus strand). Cytogenetic location: 17q25.3.
Variant type: single nucleotide variant.
Coding change: c.5289C>A on transcript NM_004104.5 (MANE Select); coding-DNA position 5289, C replaced by A.
Protein change: p.His1763Gln; replaces histidine 1763 with glutamine.
Molecular consequence: missense variant.
Genome position (GRCh38, 1-based): chr17:82,083,569, G>T on the plus strand (C>A on the coding strand, the complement: FASN is on the minus strand). VCF-style: chr17-82083569-G-T. GRCh37 (hg19) VCF-style: chr17-80041445-G-T.
Other names: short protein forms H1763Q.
Identifiers: ClinVar variation 1434919 (VCV001434919.8), dbSNP rs778156553, ClinGen allele CA8851751.

ClinVar aggregate classification (germline): Uncertain significance (1 of 4 stars; one submission).

Conditions:
Epileptic encephalopathy. Identifiers: MedGen C0543888, HP:0200134.

gnomAD v4.1: 43 of 1,612,776 alleles (0.0027%); highest among the groups gnomAD compares: Middle Eastern, 0.033%; no homozygotes.

Submission:

Labcorp Genetics (formerly Invitae), Labcorp
Classification: Uncertain significance for Epileptic encephalopathy. Last evaluated: 2024-11-16. Review status: criteria provided, single submitter. Criteria: Invitae Variant Classification Sherloc (09022015). Collection method: clinical testing. Allele origin: germline.
Comment: This sequence change replaces histidine, which is basic and polar, with glutamine, which is neutral and polar, at codon 1763 of the FASN protein (p.His1763Gln). This variant is present in population databases (rs778156553, gnomAD 0.02%). This variant has not been reported in the literature in individuals affected with FASN-related conditions. ClinVar contains an entry for this variant (Variation ID: 1434919). An algorithm developed to predict the effect of missense changes on protein structure and function (PolyPhen-2) suggests that this variant is likely to be disruptive. In summary, the available evidence is currently insufficient to determine the role of this variant in disease. Therefore, it has been classified as a Variant of Uncertain Significance.